The following is an entry in ClinVar:

NM_015559.3(SETBP1):c.535C>T (p.Pro179Ser)

Gene: SETBP1 (SET binding protein 1; plus strand). Cytogenetic location: 18q12.3.
Variant type: single nucleotide variant.
Coding change: c.535C>T on transcript NM_015559.3 (MANE Select); coding-DNA position 535, C replaced by T.
Protein change: p.Pro179Ser; replaces proline 179 with serine.
Molecular consequence: missense variant.
Genome position (GRCh38, 1-based): chr18:44,869,278, C>T. VCF-style: chr18-44869278-C-T. GRCh37 (hg19) VCF-style: chr18-42449243-C-T.
Other names: c.535C>T, p.Pro179Ser (NM_001130110.2, NM_001379141.1, NM_001379142.1); short protein forms P179S.
Identifiers: ClinVar variation 1355913 (VCV001355913.6), dbSNP rs750699121, ClinGen allele CA8945413.
Genomic context (GRCh38, chr18:44,869,278, plus strand): 5'-ATTCTTTTGCAGCTCCTCACAGCCAGTGACCTTGCAGCCAGTGACCTCAAAGGATTTCAG[C>T]CACAGGTAAGTTCCACTGATGCTTTTAAGAAGTTTGGAAGAGTAAAATGATCCAGAGTTT-3'
Protein context (NP_056374.2, residues 169-189): LAASDLKGFQ[Pro179Ser]QAYERPQKHS

ClinVar aggregate classification (germline): Uncertain significance (1 of 4 stars; one submission).

Allele frequency attached by ClinVar (database versions not stated): ExAC 0.00001; gnomAD exomes 0.00001 and 0.00002; TOPMed 0.00001; gnomAD 0.00002.

Submission:

Labcorp Genetics (formerly Invitae), Labcorp
Classification: Uncertain significance. Last evaluated: 2024-08-02. Review status: criteria provided, single submitter. Criteria: Invitae Variant Classification Sherloc (09022015). Collection method: clinical testing. Allele origin: germline.
Comment: This sequence change replaces proline, which is neutral and non-polar, with serine, which is neutral and polar, at codon 179 of the SETBP1 protein (p.Pro179Ser). This variant is present in population databases (rs750699121, gnomAD 0.002%). This variant has not been reported in the literature in individuals affected with SETBP1-related conditions. ClinVar contains an entry for this variant (Variation ID: 1355913). Advanced modeling of protein sequence and biophysical properties (such as structural, functional, and spatial information, amino acid conservation, physicochemical variation, residue mobility, and thermodynamic stability) performed at Invitae indicates that this missense variant is not expected to disrupt SETBP1 protein function with a negative predictive value of 80%. In summary, the available evidence is currently insufficient to determine the role of this variant in disease. Therefore, it has been classified as a Variant of Uncertain Significance.